The following is an entry in ClinVar:

NM_000052.7(ATP7A):c.1592G>T (p.Arg531Met)

Gene: ATP7A (ATPase copper transporting alpha; plus strand). Cytogenetic location: Xq21.1.
Variant type: single nucleotide variant.
Coding change: c.1592G>T on transcript NM_000052.7 (MANE Select); coding-DNA position 1592, G replaced by T.
Protein change: p.Arg531Met; replaces arginine 531 with methionine.
Molecular consequence: missense variant.
Genome position (GRCh38, 1-based): chrX:78,003,121, G>T. VCF-style: chrX-78003121-G-T. GRCh37 (hg19) VCF-style: chrX-77258618-G-T.
Other names: c.1592G>T, p.Arg531Met (NM_001282224.2); short protein forms R531M.
Identifiers: ClinVar variation 1176315 (VCV001176315.39), dbSNP rs782048861, ClinGen allele CA413595271.

ClinVar aggregate classification (germline): Uncertain significance. Review status: criteria provided, multiple submitters, no conflicts (2 of 4 stars). 3 submissions from 3 submitters: Uncertain significance (3). Last evaluated 2022-04-11.

Conditions:
Cutis laxa, X-linked (OHS). Also called: EDS IX; Occipital horn syndrome. Identifiers: Orphanet 198, MedGen C0268353, MONDO:0010572, OMIM 304150.
X-linked distal spinal muscular atrophy type 3. Also called: ATP7A-Related Distal Motor Neuropathy; SPINAL MUSCULAR ATROPHY, DISTAL, X-LINKED RECESSIVE; NEURONOPATHY, DISTAL HEREDITARY MOTOR, X-LINKED; NEUROPATHY, DISTAL HEREDITARY MOTOR, X-LINKED. Identifiers: Orphanet 139557, MedGen C1845359, MONDO:0010338, OMIM 300489.
Menkes kinky-hair syndrome (MNK). Also called: Menkes Disease; Classic Menkes Disease; Copper transport disease. Identifiers: Orphanet 565, MedGen C0022716, MONDO:0010651, OMIM 309400.
Inborn genetic diseases. Identifiers: MedGen C0950123, MeSH D030342.

gnomAD v4.1: 1 of 1,209,205 alleles (0.000083%); highest among the groups gnomAD compares: Non-Finnish European, 0.00011%; no homozygotes.

Submissions (3):

Labcorp Genetics (formerly Invitae), Labcorp
Classification: Uncertain significance for X-linked distal spinal muscular atrophy type 3; Cutis laxa, X-linked; Menkes kinky-hair syndrome. Last evaluated: 2022-04-11. Review status: criteria provided, single submitter. Criteria: Invitae Variant Classification Sherloc (09022015). Collection method: clinical testing. Allele origin: germline.
Comment: This sequence change replaces arginine, which is basic and polar, with methionine, which is neutral and non-polar, at codon 531 of the ATP7A protein (p.Arg531Met). This variant is not present in population databases (gnomAD no frequency). This variant has not been reported in the literature in individuals affected with ATP7A-related conditions. ClinVar contains an entry for this variant (Variation ID: 1176315). Advanced modeling of protein sequence and biophysical properties (such as structural, functional, and spatial information, amino acid conservation, physicochemical variation, residue mobility, and thermodynamic stability) performed at Invitae indicates that this missense variant is not expected to disrupt ATP7A protein function. In summary, the available evidence is currently insufficient to determine the role of this variant in disease. Therefore, it has been classified as a Variant of Uncertain Significance.

CeGaT Center for Human Genetics Tuebingen
Classification: Uncertain significance. Last evaluated: 2021-02-01. Review status: criteria provided, single submitter. Criteria: CeGaT Center For Human Genetics Tuebingen Variant Classification Criteria Version 2. Collection method: clinical testing. Allele origin: germline. Affected: yes. Observed: 1 variant allele.

Ambry Genetics
Classification: Uncertain significance for Inborn genetic diseases. Last evaluated: 2020-02-21. Review status: criteria provided, single submitter. Criteria: Ambry Variant Classification Scheme 2023. Collection method: clinical testing. Allele origin: germline.
Comment: The p.R531M variant (also known as c.1592G>T), located in coding exon 5 of the ATP7A gene, results from a G to T substitution at nucleotide position 1592. The arginine at codon 531 is replaced by methionine, an amino acid with similar properties. This amino acid position is highly conserved in available vertebrate species. In addition, the in silico prediction for this alteration is inconclusive. Since supporting evidence is limited at this time, the clinical significance of this alteration remains unclear.